The following is an entry in ClinVar:

NM_213720.3(CHCHD10):c.197G>T (p.Gly66Val)

Gene: CHCHD10 (coiled-coil-helix-coiled-coil-helix domain containing 10; minus strand). Cytogenetic location: 22q11.23.
Variant type: single nucleotide variant.
Coding change: c.197G>T on transcript NM_213720.3 (MANE Select); coding-DNA position 197, G replaced by T.
Protein change: p.Gly66Val; replaces glycine 66 with valine.
Molecular consequence: missense variant. On other transcripts: non-coding transcript variant (1).
Genome position (GRCh38, 1-based): chr22:23,767,438, C>A on the plus strand (G>T on the coding strand, the complement: CHCHD10 is on the minus strand). VCF-style: chr22-23767438-C-A. GRCh37 (hg19) VCF-style: chr22-24109625-C-A.
Other names: c.197G>T, p.Gly66Val (NM_001301339.2); short protein forms G66V.
Identifiers: ClinVar variation 180221 (VCV000180221.6), dbSNP rs730880031, ClinGen allele CA346133.
Genomic context (GRCh38, chr22:23,767,438, plus strand): 5'-TGGACAGCAGGCTGGGAGGGCTCCGAGCTCCCCCCGCTGAAGGCTCCGGTCAGGGCGCTG[C>A]CCATGACGTGTCCCACAGCCGAGCCCACGGCTACCCCTGCGGCCGTGGTCGCCATCTGAG-3'
Protein context (NP_998885.1, residues 56-76): AVGSAVGHVM[Gly66Val]SALTGAFSGG

ClinVar aggregate classification (germline): Pathogenic. Review status: criteria provided, single submitter (1 of 4 stars). 4 submissions from 4 submitters: Pathogenic (1). 3 of the submissions do not count toward it. Last evaluated 2023-04-28.

Conditions:
Autosomal dominant mitochondrial myopathy with exercise intolerance (IMMD). Also called: Myopathy, isolated mitochondrial, autosomal dominant. Identifiers: Orphanet 457050, MedGen C4015513, MONDO:0014532, OMIM 616209.
Lower motor neuron syndrome with late-adult onset (SMAJ). Also called: Spinal muscular atrophy, Jokela type; Late-Onset Spinal Motor Neuronopathy (SMAJ). Identifiers: Orphanet 276435, MedGen C3554398, MONDO:0014025, OMIM 615048.

Allele frequency attached by ClinVar (database versions not stated): ExAC below 0.00001.

Submissions (4):

Clinical Genetics Laboratory, Skane University Hospital Lund
Classification: Pathogenic. Last evaluated: 2023-04-28. Review status: criteria provided, single submitter. Criteria: ACMG Guidelines, 2015. Collection method: clinical testing. Allele origin: germline. Affected: yes.

Solve-RD Consortium
Classification: Likely pathogenic for Lower motor neuron syndrome with late-adult onset. Last evaluated: 2022-06-01. Review status: no assertion criteria provided. Collection method: provider interpretation. Allele origin: inherited. Affected: yes. Not counted in ClinVar's aggregate classification.
Comment: Variant confirmed as disease-causing by referring clinical team

Variant identified during reanalysis of unsolved cases by the Solve-RD project. The Solve-RD project has received funding from the European Union’s Horizon 2020 research and innovation programme under grant agreement No 779257.

OMIM
Classification: Pathogenic for SPINAL MUSCULAR ATROPHY, JOKELA TYPE. Last evaluated: 2015-01-01. Review status: no assertion criteria provided. Collection method: literature only. Allele origin: germline. Not counted in ClinVar's aggregate classification.

GeneReviews
No classification provided. Condition: Autosomal dominant mitochondrial myopathy with exercise intolerance. Review status: no classification provided. Collection method: literature only. Allele origin: germline. Not counted in ClinVar's aggregate classification.
Comment: Founder variant in Finnish population, associated with late-onset SMN (spinal motor neuropathy) or SMAJ (spinal muscular atrophy, Jokela type) and axonal CMT (Charcot-Marie-Tooth) disease

Literature cited by the submitters: PubMed 39825153 (cited by Solve-RD Consortium); PubMed 21715705 (cited by OMIM); PubMed 25113787 (cited by OMIM); PubMed 25428574 (cited by OMIM and GeneReviews); PubMed 27066538 (cited by GeneReviews).